The following is an entry in ClinVar:

ClinVar aggregate classification (germline): Uncertain significance (1 of 4 stars; one submission).

Allele frequency attached by ClinVar (database versions not stated): gnomAD exomes below 0.00001; TOPMed 0.00002.

Submission:

Labcorp Genetics (formerly Invitae), Labcorp
Classification: Uncertain significance. Last evaluated: 2022-08-23. Review status: criteria provided, single submitter. Criteria: Invitae Variant Classification Sherloc (09022015). Collection method: clinical testing. Allele origin: germline.
Comment: This sequence change replaces alanine, which is neutral and non-polar, with threonine, which is neutral and polar, at codon 947 of the PCARE protein (p.Ala947Thr). This variant is present in population databases (no rsID available, gnomAD 0.01%). This variant has not been reported in the literature in individuals affected with PCARE-related conditions. ClinVar contains an entry for this variant (Variation ID: 954318). Algorithms developed to predict the effect of missense changes on protein structure and function output the following: SIFT: "Tolerated"; PolyPhen-2: "Benign"; Align-GVGD: "Class C0". The threonine amino acid residue is found in multiple mammalian species, which suggests that this missense change does not adversely affect protein function. In summary, the available evidence is currently insufficient to determine the role of this variant in disease. Therefore, it has been classified as a Variant of Uncertain Significance.

NM_001029883.3(PCARE):c.2839G>A (p.Ala947Thr)

Gene: PCARE (photoreceptor cilium actin regulator; minus strand). Cytogenetic location: 2p23.2.
Variant type: single nucleotide variant.
Coding change: c.2839G>A on transcript NM_001029883.3 (MANE Select); coding-DNA position 2839, G replaced by A.
Protein change: p.Ala947Thr; replaces alanine 947 with threonine.
Molecular consequence: missense variant.
Genome position (GRCh38, 1-based): chr2:29,071,423, C>T on the plus strand (G>A on the coding strand, the complement: PCARE is on the minus strand). VCF-style: chr2-29071423-C-T. GRCh37 (hg19) VCF-style: chr2-29294289-C-T.
Other names: short protein forms A947T.
Identifiers: ClinVar variation 954318 (VCV000954318.5), dbSNP rs1470810153, ClinGen allele CA1592107.